The following is an entry in ClinVar:

ClinVar aggregate classification (germline): Uncertain significance (1 of 4 stars; one submission).

Conditions:
Heterotopia, periventricular, X-linked dominant (PVNH1). Also called: PERIVENTRICULAR NODULAR HETEROTOPIA 1; X-linked periventricular heterotopia; PERIVENTRICULAR NODULAR HETEROTOPIA 4; HETEROTOPIA, PERIVENTRICULAR, 1. Identifiers: Orphanet 2149, Orphanet 82004, MedGen C1848213, MONDO:0010233, OMIM 300049.
Melnick-Needles syndrome (MNS). Also called: Melnick-Needles Syndrome (FLNA-MNS); MELNICK-NEEDLES OSTEODYSPLASTY; OSTEODYSPLASTY OF MELNICK AND NEEDLES. Identifiers: Orphanet 2484, MedGen C0025237, MONDO:0010650, OMIM 309350.
Frontometaphyseal dysplasia (FMD1). Identifiers: Orphanet 1826, MedGen C0265293, MONDO:0015942.
Oto-palato-digital syndrome, type II (OPD2). Also called: Otopalatodigital Syndrome Type 2 (FLNA-OPD2); FACIOPALATOOSSEOUS SYNDROME; OPD II SYNDROME; Otopalatodigital Syndrome, Type II. Identifiers: Orphanet 669, Orphanet 90652, MedGen C1844696, MONDO:0010571, OMIM 304120.

Submission:

Labcorp Genetics (formerly Invitae), Labcorp
Classification: Uncertain significance for Oto-palato-digital syndrome, type II; Heterotopia, periventricular, X-linked dominant; Frontometaphyseal dysplasia; Melnick-Needles syndrome. Last evaluated: 2025-07-14. Review status: criteria provided, single submitter. Criteria: Invitae Variant Classification Sherloc (09022015). Collection method: clinical testing. Allele origin: germline.
Comment: This sequence change replaces glycine, which is neutral and non-polar, with cysteine, which is neutral and slightly polar, at codon 1101 of the FLNA protein (p.Gly1101Cys). This variant is not present in population databases (gnomAD no frequency). This variant has not been reported in the literature in individuals affected with FLNA-related conditions. ClinVar contains an entry for this variant (Variation ID: 2954261). Invitae Evidence Modeling of protein sequence and biophysical properties (such as structural, functional, and spatial information, amino acid conservation, physicochemical variation, residue mobility, and thermodynamic stability) has been performed for this missense variant. However, the output from this modeling did not meet the statistical confidence thresholds required to predict the impact of this variant on FLNA protein function. In summary, the available evidence is currently insufficient to determine the role of this variant in disease. Therefore, it has been classified as a Variant of Uncertain Significance.

NM_001110556.2(FLNA):c.3301G>T (p.Gly1101Cys)

Gene: FLNA (filamin A; minus strand). Cytogenetic location: Xq28.
Variant type: single nucleotide variant.
Coding change: c.3301G>T on transcript NM_001110556.2 (MANE Select); coding-DNA position 3301, G replaced by T.
Protein change: p.Gly1101Cys; replaces glycine 1101 with cysteine.
Molecular consequence: missense variant.
Genome position (GRCh38, 1-based): chrX:154,360,494, C>A on the plus strand (G>T on the coding strand, the complement: FLNA is on the minus strand). VCF-style: chrX-154360494-C-A. GRCh37 (hg19) VCF-style: chrX-153588862-C-A.
Other names: c.3301G>T, p.Gly1101Cys (NM_001456.4); short protein forms G1101C.
Identifiers: ClinVar variation 2954261 (VCV002954261.3), dbSNP rs2522741916, ClinGen allele CA415228803.
Genomic context (GRCh38, chrX:154,360,494, plus strand): 5'-TGCCATCCCCATTGTCCAAGCACTCGAGCTGCGCCTCACAGGGGCCCTCCACCGTCAGGC[C>A]CAGGCCACCTGTGCCGGCGCCCTTGGTGTCGATGGTGAAGCGGGCGGGGGAGCCCGCACT-3'
Protein context (NP_001104026.1, residues 1091-1111): DTKGAGTGGL[Gly1101Cys]LTVEGPCEAQ